The following is an entry in ClinVar:

ClinVar aggregate classification (germline): Uncertain significance. Review status: criteria provided, multiple submitters, no conflicts (2 of 4 stars). 2 submissions from 2 submitters: Uncertain significance (2). Last evaluated 2025-08-15.

Conditions:
Inborn genetic diseases. Identifiers: MedGen C0950123, MeSH D030342.

gnomAD v4.1: 8 of 1,614,154 alleles (0.0005%); highest among the groups gnomAD compares: Admixed American, 0.012%; no homozygotes.

Submissions (2):

Ambry Genetics
Classification: Uncertain significance for Inborn genetic diseases. Last evaluated: 2025-08-15. Review status: criteria provided, single submitter. Criteria: Ambry Variant Classification Scheme 2023. Collection method: clinical testing. Allele origin: germline.

GeneDx
Classification: Uncertain significance. Last evaluated: 2025-07-12. Review status: criteria provided, single submitter. Criteria: GeneDx Variant Classification Process June 2021. Collection method: clinical testing. Allele origin: germline. Affected: yes.
Comment: In silico analysis suggests that this missense variant does not alter protein structure/function; Has not been previously published as pathogenic or benign to our knowledge

NM_054027.6(ANKH):c.1456G>A (p.Glu486Lys)

Genes: ANKH (ANKH inorganic pyrophosphate transport regulator; minus strand), OTULIN (OTU deubiquitinase with linear linkage specificity; plus strand). Cytogenetic location: 5p15.2.
Variant type: single nucleotide variant.
Coding change: c.1456G>A on transcript NM_054027.6 (MANE Select); coding-DNA position 1456, G replaced by A.
Protein change: p.Glu486Lys; replaces glutamic acid 486 with lysine.
Molecular consequence: missense variant.
Genome position (GRCh38, 1-based): chr5:14,711,220, C>T on the plus strand (G>A on the coding strand, the complement: ANKH is on the minus strand). VCF-style: chr5-14711220-C-T. GRCh37 (hg19) VCF-style: chr5-14711329-C-T.
Other names: short protein forms E486K.
Identifiers: ClinVar variation 4098957 (VCV004098957.2).